The following is an entry in ClinVar:

ClinVar aggregate classification (germline): Uncertain significance. Review status: criteria provided, multiple submitters, no conflicts (2 of 4 stars). 2 submissions from 2 submitters: Uncertain significance (2). Last evaluated 2024-01-17.

Conditions:
Inborn genetic diseases. Identifiers: MedGen C0950123, MeSH D030342.

Allele frequency attached by ClinVar (database versions not stated): TOPMed below 0.00001; gnomAD 0.00001; ExAC 0.00003.
gnomAD v4.1: 19 of 1,613,884 alleles (0.0012%); highest among the groups gnomAD compares: Non-Finnish European, 0.0015%; no homozygotes.

Submissions (2):

Mayo Clinic Laboratories, Mayo Clinic
Classification: Uncertain significance. Last evaluated: 2024-01-17. Review status: criteria provided, single submitter. Criteria: ACMG Guidelines, 2015. Collection method: clinical testing. Allele origin: germline. Observed: 1 variant allele.
Comment: BP4

Ambry Genetics
Classification: Uncertain significance for Inborn genetic diseases. Last evaluated: 2022-06-06. Review status: criteria provided, single submitter. Criteria: Ambry Variant Classification Scheme 2023. Collection method: clinical testing. Allele origin: germline.

NM_005245.4(FAT1):c.11036A>G (p.Gln3679Arg)

Genes: FAT1 (FAT atypical cadherin 1; minus strand), LOC126807254 (BRD4-independent group 4 enhancer GRCh37_chr4:187524269-187525468; plus strand). Cytogenetic location: 4q35.2.
Variant type: single nucleotide variant.
Coding change: c.11036A>G on transcript NM_005245.4 (MANE Select); coding-DNA position 11036, A replaced by G.
Protein change: p.Gln3679Arg; replaces glutamine 3679 with arginine.
Molecular consequence: missense variant.
Genome position (GRCh38, 1-based): chr4:186,603,490, T>C on the plus strand (A>G on the coding strand, the complement: FAT1 is on the minus strand). VCF-style: chr4-186603490-T-C. GRCh37 (hg19) VCF-style: chr4-187524644-T-C.
Other names: p.Gln3679Arg; short protein forms Q3679R.
Identifiers: ClinVar variation 2294114 (VCV002294114.3), dbSNP rs751497113, ClinGen allele CA3165199.
Genomic context (GRCh38, chr4:186,603,490, plus strand): 5'-TCTACAAAAAGTAAGACGTCCAGATGTGGGTGAGGTTCAGAGGACTGCAAACTAACAATC[T>C]GTATGTCGTTCCTCCTCACACCCAGGATGTTCCGTAAAGCTCGCTGGAAGTTGCGCCAGT-3'
Protein context (NP_005236.2, residues 3669-3689): NILGVRRNDI[Gln3679Arg]IVSLQSSEPH